The following is an entry in ClinVar:

ClinVar aggregate classification (germline): Uncertain significance. Review status: criteria provided, multiple submitters, no conflicts (2 of 4 stars). 2 submissions from 2 submitters: Uncertain significance (2). Last evaluated 2025-05-21.

Conditions:
Dyskeratosis congenita. Identifiers: Orphanet 1775, MedGen C0265965, MONDO:0015780.
Dyskeratosis congenita, autosomal dominant 2. Identifiers: MedGen C3151443, MONDO:0013521, OMIM 613989.

Submissions (2):

Ambry Genetics
Classification: Uncertain significance for Dyskeratosis congenita. Last evaluated: 2025-05-21. Review status: criteria provided, single submitter. Criteria: Ambry Variant Classification Scheme 2023. Collection method: clinical testing. Allele origin: germline.
Comment: The c.1255_1257delGTCinsTTT variant (also known as p.V419F), located in coding exon 2 of the TERT gene, results from an in-frame deletion of GTC and insertion of TTT at nucleotide positions 1255 to 1257. This results in the substitution of the valine residue for a phenylalanine residue at codon 419, an amino acid with highly similar properties. This amino acid position is poorly conserved in available vertebrate species. In addition, this variant is predicted to be neutral by in silico analysis (Choi Y et al. PLoS ONE. 2012; 7(10):e46688). Based on the available evidence, the clinical significance of this variant remains unclear.

Baylor Genetics
Classification: Uncertain significance for Dyskeratosis congenita, autosomal dominant 2. Last evaluated: 2024-03-18. Review status: criteria provided, single submitter. Criteria: ACMG Guidelines, 2015. Collection method: clinical testing. Allele origin: unknown.

NM_198253.3(TERT):c.1255_1257delinsTTT (p.Val419Phe)

Gene: TERT (telomerase reverse transcriptase; minus strand). Cytogenetic location: 5p15.33.
Variant type: Indel.
Coding change: c.1255_1257delinsTTT on transcript NM_198253.3 (MANE Select); coding-DNA positions 1255 to 1257, GTC replaced by TTT.
Protein change: p.Val419Phe; replaces valine 419 with phenylalanine.
Molecular consequence: missense variant. On other transcripts: non-coding transcript variant (2).
Genome position (GRCh38, 1-based): chr5:1,293,629-1,293,631, GAC replaced by AAA on the plus strand (GTC replaced by TTT on the coding strand, the reverse complement: TERT is on the minus strand). VCF-style: chr5-1293629-GAC-AAA. GRCh37 (hg19) VCF-style: chr5-1293744-GAC-AAA.
Other names: c.1255_1257delinsTTT, p.Val419Phe (NM_001193376.3); c.1255_1257delGTCinsTTT, p.Val419Phe (NM_003219.1); short protein forms V419F.
Identifiers: ClinVar variation 3240578 (VCV003240578.2), dbSNP rs2478412445.
Genomic context (GRCh38, chr5:1,293,629, plus strand): 5'-CTCGGGGGCCGCCACAGAGCCCTGGGGCTTCTCCCGGGCACAGACACCGGCTGCTGGGGT[GAC>AAA]CGCAGCTCGCAGCGGGCAGTGCGTCTTGAGGAGCACCCCGTAGGGGCACTGCGCGTGGTT-3'
Protein context (NP_937983.2, residues 409-429): LKTHCPLRAA[Val419Phe]TPAAGVCARE